The following is an entry in ClinVar:

NM_001943.5(DSG2):c.1088C>G (p.Ser363Trp)

Gene: DSG2 (desmoglein 2; plus strand). Cytogenetic location: 18q12.1.
Variant type: single nucleotide variant.
Coding change: c.1088C>G on transcript NM_001943.5 (MANE Select); coding-DNA position 1088, C replaced by G.
Protein change: p.Ser363Trp; replaces serine 363 with tryptophan.
Molecular consequence: missense variant.
Genome position (GRCh38, 1-based): chr18:31,531,060, C>G. VCF-style: chr18-31531060-C-G. GRCh37 (hg19) VCF-style: chr18-29111023-C-G.
Other names: short protein forms S363W.
Identifiers: ClinVar variation 1331747 (VCV001331747.2), dbSNP rs751527714, ClinGen allele CA402138415.
Genomic context (GRCh38, chr18:31,531,060, plus strand): 5'-AAGAAATGAAGAATCTTGACTTCAGTGTTATTGTCGCTAATAAAGCAGCTTTTCACAAGT[C>G]GATTAGGAGTAAATACAAGCCTACACCCATTCCCATCAAGGTCAAAGTGAAAAATGTGAA-3'
Protein context (NP_001934.2, residues 353-373): IVANKAAFHK[Ser363Trp]IRSKYKPTPI

ClinVar aggregate classification (germline): Uncertain significance (1 of 4 stars; one submission).

Conditions:
Cardiomyopathy (CMYO). Also called: Cardiomyopathies. Identifiers: Orphanet 167848, MedGen C0878544, MONDO:0004994, HP:0001638. Inheritance: Various modes of inheritance.

Submission:

Color Diagnostics, LLC DBA Color Health
Classification: Uncertain significance for Cardiomyopathy. Last evaluated: 2021-06-01. Review status: criteria provided, single submitter. Criteria: ACMG Guidelines, 2015. Collection method: clinical testing. Allele origin: germline.
Comment: This missense variant replaces serine with tryptophan at codon 363 of the DSG2 protein. Computational prediction suggests that this variant may not impact protein structure and function (internally defined REVEL score threshold <= 0.5, PMID: 27666373). To our knowledge, functional studies have not been reported for this variant. This variant has not been reported in individuals affected with cardiovascular disorders in the literature. This variant has not been identified in the general population by the Genome Aggregation Database (gnomAD). The available evidence is insufficient to determine the role of this variant in disease conclusively. Therefore, this variant is classified as a Variant of Uncertain Significance.